The following is an entry in ClinVar:

NM_020361.5(CPA6):c.1090G>A (p.Val364Ile)

Genes: ARFGEF1-DT (ARFGEF1 divergent transcript; plus strand), CPA6 (carboxypeptidase A6; minus strand). Cytogenetic location: 8q13.2.
Variant type: single nucleotide variant.
Coding change: c.1090G>A on transcript NM_020361.5 (MANE Select); coding-DNA position 1090, G replaced by A.
Protein change: p.Val364Ile; replaces valine 364 with isoleucine.
Molecular consequence: missense variant.
Genome position (GRCh38, 1-based): chr8:67,428,083, C>T on the plus strand (G>A on the coding strand, the complement: CPA6 is on the minus strand). VCF-style: chr8-67428083-C-T. GRCh37 (hg19) VCF-style: chr8-68340318-C-T.
Other names: short protein forms V364I.
Identifiers: ClinVar variation 958772 (VCV000958772.12), dbSNP rs754011349, ClinGen allele CA4772716.
Genomic context (GRCh38, chr8:67,428,083, plus strand): 5'-ACACAATGTACGCAGGAAACTTACACAACGTTGTGGAGGCTGGTCCATATCTGTATCGTA[C>T]CCCGTATACTGACTGAAGTGCATTCACAGCTTTATAAGCTGCAGATTCCTATGAGGGAAA-3'
Protein context (NP_065094.3, residues 354-374): AVNALQSVYG[Val364Ile]RYRYGPASTT

ClinVar aggregate classification (germline): Uncertain significance. Review status: criteria provided, multiple submitters, no conflicts (2 of 4 stars). 4 submissions from 4 submitters: Uncertain significance (4). Last evaluated 2025-12-16.

Conditions:
Febrile seizures, familial, 11 (FEB11). Also called: CONVULSIONS, FAMILIAL FEBRILE, 11. Identifiers: MedGen C3280734, MONDO:0024566, OMIM 614418.

Allele frequency attached by ClinVar (database versions not stated): TOPMed 0.00002; gnomAD 0.00003; ExAC 0.00007; gnomAD exomes 0.00010.
gnomAD v4.1: 138 of 1,613,152 alleles (0.0086%); highest among the groups gnomAD compares: Middle Eastern, 0.033%; no homozygotes.

Submissions (4):

Ambry Genetics
Classification: Uncertain significance. Last evaluated: 2025-12-16. Review status: criteria provided, single submitter. Criteria: Ambry Variant Classification Scheme 2023. Collection method: clinical testing. Allele origin: germline.

Women's Health and Genetics/Laboratory Corporation of America, LabCorp
Classification: Uncertain significance. Last evaluated: 2025-11-17. Review status: criteria provided, single submitter. Criteria: LabCorp Variant Classification Summary - May 2015. Collection method: clinical testing. Allele origin: germline.
Comment: Variant summary: CPA6 c.1090G>A (p.Val364Ile) results in a conservative amino acid change in the encoded protein sequence. Algorithms developed to predict the effect of missense changes on protein structure and function all suggest that this variant is likely to be tolerated. The variant allele was found at a frequency of 9.6e-05 in 251180 control chromosomes. This frequency is not significantly higher than estimated for disease-causing variants in CPA6, allowing no conclusion about variant significance. To our knowledge, no occurrence of c.1090G>A in individuals affected with CPA6-related conditions and no experimental evidence demonstrating its impact on protein function have been reported. ClinVar contains an entry for this variant (Variation ID: 958772). Based on the evidence outlined above, the variant was classified as uncertain significance.

Labcorp Genetics (formerly Invitae), Labcorp
Classification: Uncertain significance for Febrile seizures, familial, 11. Last evaluated: 2021-08-24. Review status: criteria provided, single submitter. Criteria: Invitae Variant Classification Sherloc (09022015). Collection method: clinical testing. Allele origin: germline.
Comment: This sequence change replaces valine with isoleucine at codon 364 of the CPA6 protein (p.Val364Ile). The valine residue is moderately conserved and there is a small physicochemical difference between valine and isoleucine. This variant is present in population databases (rs754011349, ExAC 0.01%). This variant has not been reported in the literature in individuals affected with CPA6-related conditions. Algorithms developed to predict the effect of missense changes on protein structure and function output the following: SIFT: "Tolerated"; PolyPhen-2: "Benign"; Align-GVGD: "Class C0". The isoleucine amino acid residue is found in multiple mammalian species, which suggests that this missense change does not adversely affect protein function. In summary, the available evidence is currently insufficient to determine the role of this variant in disease. Therefore, it has been classified as a Variant of Uncertain Significance.

Revvity Omics, Revvity
Classification: Uncertain significance. Last evaluated: 2019-06-03. Review status: criteria provided, single submitter. Criteria: ACMG Guidelines, 2015. Collection method: clinical testing. Allele origin: germline.